The following is an entry in ClinVar:

ClinVar aggregate classification (germline): Uncertain significance. Review status: criteria provided, multiple submitters, no conflicts (2 of 4 stars). 2 submissions from 2 submitters: Uncertain significance (2). Last evaluated 2021-11-01.

Conditions:
Autosomal recessive limb-girdle muscular dystrophy type 2J (LGMDR10). Also called: MUSCULAR DYSTROPHY, LIMB-GIRDLE, AUTOSOMAL RECESSIVE 10; Limb-girdle muscular dystrophy, type 2J. Identifiers: Orphanet 140922, MedGen C1837342, MONDO:0012127, OMIM 608807.
Tibial muscular dystrophy (TMD). Also called: Tibial muscular dystrophy, tardive; Udd Distal Myopathy – Tibial Muscular Dystrophy; UDD MYOPATHY. Identifiers: Orphanet 609, MedGen C1838244, MONDO:0010870, OMIM 600334.
Myopathy, myofibrillar, 9, with early respiratory failure (MFM9). Also called: Myopathy, distal, with early respiratory failure, autosomal dominant; EDSTROM MYOPATHY; MYOPATHY, PROXIMAL, WITH EARLY RESPIRATORY MUSCLE INVOLVEMENT; Hereditary myopathy with early respiratory failure. Identifiers: Orphanet 178464, Orphanet 34521, MedGen C1863599, MONDO:0011362, OMIM 603689.
Dilated cardiomyopathy 1G (CMD1G). Identifiers: Orphanet 154, MedGen C1858763, MONDO:0011400, OMIM 604145.
Early-onset myopathy with fatal cardiomyopathy (CMYO5). Also called: CONGENITAL MYOPATHY 5 WITH CARDIOMYOPATHY; Salih Myopathy. Identifiers: Orphanet 289377, MedGen C2673677, MONDO:0012714, OMIM 611705. Disease mechanism: loss of function.
Hypertrophic cardiomyopathy 9. Also called: Familial hypertrophic cardiomyopathy 9. Identifiers: MedGen C1861065, MONDO:0013412, OMIM 613765.

Allele frequency attached by ClinVar (database versions not stated): TOPMed below 0.00001; ExAC 0.00001; gnomAD exomes 0.00001 and 0.00002; ESP Exome Variant Server 0.00008.
gnomAD v4.1: 33 of 1,613,544 alleles (0.002%); highest among the groups gnomAD compares: Non-Finnish European, 0.0025%; no homozygotes.

Submissions (2):

Fulgent Genetics
Classification: Uncertain significance for Tibial muscular dystrophy; Myopathy, myofibrillar, 9, with early respiratory failure; Dilated cardiomyopathy 1G; Autosomal recessive limb-girdle muscular dystrophy type 2J; Early-onset myopathy with fatal cardiomyopathy; Hypertrophic cardiomyopathy 9. Last evaluated: 2021-11-01. Review status: criteria provided, single submitter. Criteria: ACMG Guidelines, 2015. Collection method: clinical testing. Allele origin: unknown.

Laboratory for Molecular Medicine, Mass General Brigham Personalized Medicine
Classification: Uncertain significance. Last evaluated: 2015-11-19. Review status: criteria provided, single submitter. Criteria: LMM Criteria. Collection method: clinical testing. Allele origin: germline. Observed: 2 variant alleles.
Comment: This variant has been identified in 1/9786 Af rican chromosomes by the Exome Aggregation Consortium (ExAC; dbSNP rs374625641). Computational prediction tools and conservation analysis suggest that the p.Ala5832Val variant may not impact the protein, thou gh this information is not predictive enough to rule out pathogenicity. In summa ry, the clinical significance of the p.Ala5832Val variant is uncertain.

NM_001267550.2(TTN):c.21227C>T (p.Ala7076Val)

Genes: TTN (titin; minus strand), LOC126806428 (BRD4-independent group 4 enhancer GRCh37_chr2:179588362-179589561; plus strand). Cytogenetic location: 2q31.2.
Variant type: single nucleotide variant.
Coding change: c.21227C>T on transcript NM_001267550.2 (MANE Select); coding-DNA position 21227, C replaced by T.
Protein change: p.Ala7076Val; replaces alanine 7076 with valine.
Molecular consequence: missense variant. On other transcripts: intron variant (3).
Genome position (GRCh38, 1-based): chr2:178,724,032, G>A on the plus strand (C>T on the coding strand, the complement: TTN is on the minus strand). VCF-style: chr2-178724032-G-A. GRCh37 (hg19) VCF-style: chr2-179588759-G-A.
Other names: c.20276C>T, p.Ala6759Val (NM_001256850.1); c.13282+14050C>T (NM_003319.4); c.13858+14050C>T (NM_133437.4); c.13657+14050C>T (NM_133432.3); c.17495C>T, p.Ala5832Val (NM_133378.4); short protein forms A5832V, A7076V, A6759V.
Identifiers: ClinVar variation 178243 (VCV000178243.6), dbSNP rs374625641, ClinGen allele CA181895.
Genomic context (GRCh38, chr2:178,724,032, plus strand): 5'-TCTGAAAATGTGGTTTGGTACTTTGCTCCACTGACAATCTTGGTTTTCTCATGAAACCAG[G>A]CAACTGAAATAGGTGATGATCCAGCTACTTTGCATTCCAAGATGCAAGAAGCACCTAACA-3'
Protein context (NP_001254479.2, residues 7066-7086): KVAGSSPISV[Ala7076Val]WFHEKTKIVS